The following is an entry in ClinVar:

ClinVar aggregate classification (germline): Uncertain significance (1 of 4 stars; one submission).

gnomAD v4.1: 77 of 1,614,040 alleles (0.0048%); highest among the groups gnomAD compares: African/African-American, 0.0067%; no homozygotes.

Submission:

Labcorp Genetics (formerly Invitae), Labcorp
Classification: Uncertain significance. Last evaluated: 2026-01-26. Review status: criteria provided, single submitter. Criteria: Invitae Variant Classification Sherloc (09022015). Collection method: clinical testing. Allele origin: germline.
Comment: This sequence change replaces arginine, which is basic and polar, with threonine, which is neutral and polar, at codon 231 of the MYO5B protein (p.Arg231Thr). This variant is present in population databases (rs369377048, gnomAD 0.008%). This variant has not been reported in the literature in individuals affected with MYO5B-related conditions. Invitae Evidence Modeling of protein sequence and biophysical properties (such as structural, functional, and spatial information, amino acid conservation, physicochemical variation, residue mobility, and thermodynamic stability) indicates that this missense variant is not expected to disrupt MYO5B protein function with a negative predictive value of 80%. In summary, the available evidence is currently insufficient to determine the role of this variant in disease. Therefore, it has been classified as a Variant of Uncertain Significance.

NM_001080467.3(MYO5B):c.692G>C (p.Arg231Thr)

Gene: MYO5B (myosin VB; minus strand). Cytogenetic location: 18q21.1.
Variant type: single nucleotide variant.
Coding change: c.692G>C on transcript NM_001080467.3 (MANE Select); coding-DNA position 692, G replaced by C.
Protein change: p.Arg231Thr; replaces arginine 231 with threonine.
Molecular consequence: missense variant.
Genome position (GRCh38, 1-based): chr18:49,992,352, C>G on the plus strand (G>C on the coding strand, the complement: MYO5B is on the minus strand). VCF-style: chr18-49992352-C-G. GRCh37 (hg19) VCF-style: chr18-47518722-C-G.
Other names: short protein forms R231T.
Identifiers: ClinVar variation 4779712 (VCV004779712.1).